The following is an entry in ClinVar:

ClinVar aggregate classification (germline): Benign (1 of 4 stars; one submission).

Allele frequency attached by ClinVar (database versions not stated): 1000 Genomes Project 0.31729; 1000 Genomes Project 30x 0.32245; gnomAD 0.35083 and 0.35481; TOPMed 0.35424.
gnomAD v4.1: 52,884 of 150,844 alleles (35%); highest among the groups gnomAD compares: African/African-American, 39%; 9,414 homozygotes.

Submission:

GeneDx
Classification: Benign. Last evaluated: 2018-06-18. Review status: criteria provided, single submitter. Criteria: GeneDx Variant Classification (06012015). Collection method: clinical testing. Allele origin: germline. Affected: yes.
Comment: This variant is considered likely benign or benign based on one or more of the following criteria: it is a conservative change, it occurs at a poorly conserved position in the protein, it is predicted to be benign by multiple in silico algorithms, and/or has population frequency not consistent with disease.

NM_016169.4(SUFU):c.182+189C>T

Gene: SUFU (SUFU negative regulator of hedgehog signaling; plus strand). Cytogenetic location: 10q24.32.
Variant type: single nucleotide variant.
Coding change: c.182+189C>T on transcript NM_016169.4 (MANE Select); 189 bases into the intron after coding-DNA position 182, C replaced by T.
Molecular consequence: intron variant.
Genome position (GRCh38, 1-based): chr10:102,504,523, C>T. VCF-style: chr10-102504523-C-T. GRCh37 (hg19) VCF-style: chr10-104264280-C-T.
Other names: c.182+189C>T (NM_001178133.2).
Identifiers: ClinVar variation 677128 (VCV000677128.1), dbSNP rs3808934, ClinGen allele CA13366700.
Genomic context (GRCh38, chr10:102,504,523, plus strand): 5'-TTGCTGCGAGGGAAGGAGTTAAGGCTCAAGTTGGGAATGGGGACAAAGGGGTTAACGGAG[C>T]CCGTGGGTACTGAGGGGTTAACCGGGATTAGGAGAATAGAGTGAGGACTGGGGGTGTGTG-3'